The following is an entry in ClinVar:

ClinVar aggregate classification (germline): Pathogenic (1 of 4 stars; one submission).

Conditions:
Craniosynostosis and dental anomalies (CRSDA). Also called: KREIBORG-PAKISTANI SYNDROME. Identifiers: Orphanet 284149, MedGen C3280073, MONDO:0013615, OMIM 614188.

Submission:

3billion
Classification: Pathogenic for Craniosynostosis and dental anomalies. Last evaluated: 2023-08-05. Review status: criteria provided, single submitter. Criteria: ACMG Guidelines, 2015. Collection method: clinical testing. Allele origin: germline. Affected: yes.
Comment: The variant is not observed in the gnomAD v2.1.1 dataset. Predicted Consequence/Location: Frameshift: predicted to result in a loss or disruption of normal protein function through nonsense-mediated decay (NMD) or protein truncation. Multiple pathogenic variants are reported downstream of the variant. Therefore, this variant is classified as Pathogenic according to the recommendation of ACMG/AMP guideline.

NM_001142784.3(IL11RA):c.606dup (p.Ala203fs)

Gene: IL11RA (interleukin 11 receptor subunit alpha; plus strand). Cytogenetic location: 9p13.3.
Variant type: Duplication.
Coding change: c.606dup on transcript NM_001142784.3 (MANE Select); coding-DNA position 606, one base duplicated (T; older notation c.606dupT).
Protein change: p.Ala203fs; shifts the reading frame from alanine 203.
Molecular consequence: frameshift variant. On other transcripts: non-coding transcript variant (1).
Genome position (GRCh38, 1-based): chr9:34,657,547, T duplicated. VCF-style (leftmost placement, unchanged base first): chr9-34657546-G-GT. GRCh37 (hg19) VCF-style: chr9-34657543-G-GT.
Other names: short protein forms A203fs.
Identifiers: ClinVar variation 3775771 (VCV003775771.1).